The following is an entry in ClinVar:

NC_000022.11:g.40346230C>G

Gene: ADSL (adenylosuccinate lyase; plus strand). Cytogenetic location: 22q13.1.
Variant type: single nucleotide variant.
Genome position: GRCh38 VCF-style: chr22-40346230-C-G. GRCh37 (hg19) VCF-style: chr22-40742234-C-G.
Identifiers: ClinVar variation 1461398 (VCV001461398.7), dbSNP rs2044131436, ClinGen allele CA2405715722.

ClinVar aggregate classification (germline): Uncertain significance (1 of 4 stars; one submission).

Conditions:
Adenylosuccinate lyase deficiency (ADSLD). Also called: ADSL DEFICIENCY. Identifiers: Orphanet 46, MedGen C0268126, MONDO:0007068, OMIM 103050.

Allele frequency attached by ClinVar (database versions not stated): TOPMed 0.00001.

Submission:

Labcorp Genetics (formerly Invitae), Labcorp
Classification: Uncertain significance for Adenylosuccinate lyase deficiency. Last evaluated: 2022-08-15. Review status: criteria provided, single submitter. Criteria: Invitae Variant Classification Sherloc (09022015). Collection method: clinical testing. Allele origin: germline.
Comment: In summary, the available evidence is currently insufficient to determine the role of this variant in disease. Therefore, it has been classified as a Variant of Uncertain Significance. Experimental studies and prediction algorithms are not available or were not evaluated, and the functional significance of this variant is currently unknown. This variant has not been reported in the literature in individuals affected with ADSL-related conditions. This variant is not present in population databases (gnomAD no frequency). This variant occurs in a non-coding region of the ADSL gene. It does not change the encoded amino acid sequence of the ADSL protein.